The following is an entry in ClinVar:

ClinVar aggregate classification (germline): Benign (1 of 4 stars; one submission).

Conditions:
MELAS syndrome (MELAS). Also called: Juvenile myopathy, encephalopathy, lactic acidosis, stroke. Identifiers: Orphanet 550, MedGen C0162671, MONDO:0010789, OMIM 540000.

Submission:

Wong Mito Lab, Molecular and Human Genetics, Baylor College of Medicine
Classification: Benign for MELAS syndrome. Last evaluated: 2019-07-12. Review status: criteria provided, single submitter. Criteria: Modified ACMG Guidelines (Unpublished). Collection method: clinical testing. Allele origin: germline.
Comment: The NC_012920.1:m.5601C>T variant in MT-TA gene is interpreted to be a Benign variant based on the modified ACMG guidelines (unpublished). This variant meets the following evidence codes reported in the guidelines: BS1, BS2, BP4

Literature cited by the submitters: PubMed 31965079.

NC_012920.1(MT-TA):m.5601C>T

Gene: MT-TA (mitochondrially encoded tRNA alanine; minus strand).
Variant type: single nucleotide variant.
Genome position: chrM-5601-C-T.
Identifiers: ClinVar variation 689952 (VCV000689952.1), dbSNP rs376884056, ClinGen allele CA337097198.